The following is an entry in ClinVar:

NM_001386188.2(CENPI):c.393G>A (p.Lys131=)

Gene: CENPI (centromere protein I; plus strand). Cytogenetic location: Xq22.1.
Variant type: single nucleotide variant.
Coding change: c.393G>A on transcript NM_001386188.2 (MANE Select); coding-DNA position 393, G replaced by A.
Protein change: p.Lys131=; no amino-acid change (lysine 131 retained).
Molecular consequence: synonymous variant.
Genome position (GRCh38, 1-based): chrX:101,109,501, G>A. VCF-style: chrX-101109501-G-A. GRCh37 (hg19) VCF-style: chrX-100364490-G-A.
Other names: c.393G>A, p.Lys131= (NM_001318521.2, NM_001318523.1, NM_006733.3).
Identifiers: ClinVar variation 3771681 (VCV003771681.13).
Genomic context (GRCh38, chrX:101,109,501, plus strand): 5'-ATGTAGTTTAATTTAGCTTGTCTCCTTTCCAGGAAATGCTGTAAACACACGGATATTGAA[G>A]TGCATGATCCCAGCAACAGTAATATCAGAAGATTCTGTGGTTAAGGCAGTCTCCTGGCTT-3'
Protein context (NP_001373117.1, residues 121-141): FGNAVNTRIL[Lys131=]CMIPATVISE

ClinVar aggregate classification (germline): Uncertain significance (1 of 4 stars; one submission).

Submission:

CeGaT Center for Human Genetics Tuebingen
Classification: Uncertain significance. Last evaluated: 2025-02-01. Review status: criteria provided, single submitter. Criteria: CeGaT Center For Human Genetics Tuebingen Variant Classification Criteria Version 2. Collection method: clinical testing. Allele origin: germline. Affected: yes. Observed: 1 variant allele.
Comment: CENPI: PM2:Supporting, BP4